The following is an entry in ClinVar:

NM_206933.4(USH2A):c.2993+3A>G

Genes: USH2A (usherin; minus strand), USH2A-AS1 (USH2A antisense RNA 1; plus strand). Cytogenetic location: 1q41.
Variant type: single nucleotide variant.
Coding change: c.2993+3A>G on transcript NM_206933.4 (MANE Select); 3 bases into the intron after coding-DNA position 2993, A replaced by G.
Molecular consequence: intron variant.
Genome position (GRCh38, 1-based): chr1:216,231,950, T>C on the plus strand (A>G on the coding strand, the complement: USH2A is on the minus strand). VCF-style: chr1-216231950-T-C. GRCh37 (hg19) VCF-style: chr1-216405292-T-C.
Other names: c.2993+3A>G (NM_007123.6).
Identifiers: ClinVar variation 3611855 (VCV003611855.2).

ClinVar aggregate classification (germline): Uncertain significance (1 of 4 stars; one submission).

gnomAD v4.1: 4 of 1,613,866 alleles (0.00025%); highest among the groups gnomAD compares: Non-Finnish European, 0.00034%; no homozygotes.

Submission:

Labcorp Genetics (formerly Invitae), Labcorp
Classification: Uncertain significance. Last evaluated: 2024-11-27. Review status: criteria provided, single submitter. Criteria: Invitae Variant Classification Sherloc (09022015). Collection method: clinical testing. Allele origin: germline.
Comment: This sequence change falls in intron 14 of the USH2A gene. It does not directly change the encoded amino acid sequence of the USH2A protein. It affects a nucleotide within the consensus splice site. This variant is present in population databases (no rsID available, gnomAD 0.007%). This variant has not been reported in the literature in individuals affected with USH2A-related conditions. Variants that disrupt the consensus splice site are a relatively common cause of aberrant splicing (PMID: 17576681, 9536098). Algorithms developed to predict the effect of sequence changes on RNA splicing suggest that this variant is not likely to affect RNA splicing. In summary, the available evidence is currently insufficient to determine the role of this variant in disease. Therefore, it has been classified as a Variant of Uncertain Significance.

Literature cited by the submitters: PubMed 17576681; PubMed 9536098.